The following is an entry in ClinVar:

NM_001374736.1(DST):c.20282G>A (p.Gly6761Asp)

Gene: DST (dystonin; minus strand). Cytogenetic location: 6p12.1.
Variant type: single nucleotide variant.
Coding change: c.20282G>A on transcript NM_001374736.1 (MANE Select); coding-DNA position 20282, G replaced by A.
Protein change: p.Gly6761Asp; replaces glycine 6761 with aspartic acid.
Molecular consequence: missense variant.
Genome position (GRCh38, 1-based): chr6:56,494,122, C>T on the plus strand (G>A on the coding strand, the complement: DST is on the minus strand). VCF-style: chr6-56494122-C-T. GRCh37 (hg19) VCF-style: chr6-56358920-C-T.
Other names: c.13925G>A, p.Gly4642Asp (NM_001144769.5); c.13511G>A, p.Gly4504Asp (NM_001144770.2); c.20282G>A, p.Gly6761Asp (NM_001374722.1); c.19322G>A, p.Gly6441Asp (NM_001374729.1); c.13064G>A, p.Gly4355Asp (NM_001374730.1); c.20309G>A, p.Gly6770Asp (NM_001374734.1); c.13391G>A, p.Gly4464Asp (NM_001386100.1, NM_183380.4); c.12413G>A, p.Gly4138Asp (NM_015548.5); short protein forms G4138D, G4355D, G4464D, G4504D, G4642D, G6441D, G6761D, G6770D.
Identifiers: ClinVar variation 998870 (VCV000998870.6), dbSNP rs746273825, ClinGen allele CA364517688.

ClinVar aggregate classification (germline): Uncertain significance (1 of 4 stars; one submission).

Conditions:
Epidermolysis bullosa simplex 3, localized or generalized intermediate, with BP230 deficiency (EBS3). Also called: Epidermolysis bullosa simplex, autosomal recessive 2; Epidermolysis bullosa simplex due to BP230 deficiency. Identifiers: Orphanet 412181, MedGen C3809470, MONDO:0014180, OMIM 615425.
Hereditary sensory and autonomic neuropathy type 6. Also called: HSAN VI; Neuropathy, hereditary sensory and autonomic, type VI. Identifiers: Orphanet 314381, MedGen C3539003, MONDO:0013839, OMIM 614653.

Allele frequency attached by ClinVar (database versions not stated): TOPMed 0.00001.
gnomAD v4.1: 10 of 1,611,888 alleles (0.00062%); highest among the groups gnomAD compares: Non-Finnish European, 0.00076%; no homozygotes.

Submission:

Labcorp Genetics (formerly Invitae), Labcorp
Classification: Uncertain significance for Epidermolysis bullosa simplex 3, localized or generalized intermediate, with BP230 deficiency; Hereditary sensory and autonomic neuropathy type 6. Last evaluated: 2022-06-16. Review status: criteria provided, single submitter. Criteria: Invitae Variant Classification Sherloc (09022015). Collection method: clinical testing. Allele origin: germline.
Comment: The DST gene has multiple clinically relevant transcripts. This variant occurs in alternate transcript NM_015548.4, and corresponds to NM_001723.5:c.*121395G>A in the primary transcript. This sequence change replaces glycine, which is neutral and non-polar, with aspartic acid, which is acidic and polar, at codon 4138 of the DST protein (p.Gly4138Asp). This variant is present in population databases (no rsID available, gnomAD 0.002%). This variant has not been reported in the literature in individuals affected with DST-related conditions. Experimental studies and prediction algorithms are not available or were not evaluated, and the functional significance of this variant is currently unknown. In summary, the available evidence is currently insufficient to determine the role of this variant in disease. Therefore, it has been classified as a Variant of Uncertain Significance.